The following is an entry in ClinVar:

NM_176869.3(PPA2):c.528+1G>A

Gene: PPA2 (inorganic pyrophosphatase 2; minus strand). Cytogenetic location: 4q24.
Variant type: single nucleotide variant.
Coding change: c.528+1G>A on transcript NM_176869.3 (MANE Select); the canonical splice donor site of the intron after coding-DNA position 528, G replaced by A.
Molecular consequence: splice donor variant. On other transcripts: intron variant (3).
Genome position (GRCh38, 1-based): chr4:105,437,949, C>T on the plus strand (G>A on the coding strand, the complement: PPA2 is on the minus strand). VCF-style: chr4-105437949-C-T. GRCh37 (hg19) VCF-style: chr4-106359106-C-T.
Other names: c.157+35945G>A (NM_176867.3); c.223-13627G>A (NM_176866.2); c.441+8434G>A (NM_006903.4).
Identifiers: ClinVar variation 2288832 (VCV002288832.2), dbSNP rs1032144565, ClinGen allele CA357799138.

ClinVar aggregate classification (germline): Likely pathogenic (1 of 4 stars; one submission).

Conditions:
Inborn genetic diseases. Identifiers: MedGen C0950123, MeSH D030342.

gnomAD v4.1: 3 of 1,599,120 alleles (0.00019%); highest among the groups gnomAD compares: African/African-American, 0.0027%; no homozygotes.

Submission:

Ambry Genetics
Classification: Likely pathogenic for Inborn genetic diseases. Last evaluated: 2022-06-10. Review status: criteria provided, single submitter. Criteria: Ambry Variant Classification Scheme 2023. Collection method: clinical testing. Allele origin: germline.
Comment: The c.528+1G>A intronic variant results from a G to A substitution one nucleotide after coding exon 6 of the PPA2 gene. Alterations that disrupt the canonical splice site are expected to result in aberrant splicing. The resulting transcript is predicted to be in-frame and is not expected to trigger nonsense-mediated mRNA decay; however, direct evidence is unavailable. The exact functional effect of the altered amino acid sequence is unknown; however, a significant portion of the protein is affected (Ambry internal data). Based on data from gnomAD, the A allele has an overall frequency of <0.01% (2/268288) total alleles studied. The highest observed frequency was <0.01% (1/24564) of African alleles. This nucleotide position is highly conserved in available vertebrate species. In silico splice site analysis predicts that this alteration will weaken the native splice donor site. Based on the available evidence, this alteration is classified as likely pathogenic.